The following is an entry in ClinVar:

NM_181486.4(TBX5):c.1064G>T (p.Arg355Leu)

Gene: TBX5 (T-box transcription factor 5; minus strand). Cytogenetic location: 12q24.21.
Variant type: single nucleotide variant.
Coding change: c.1064G>T on transcript NM_181486.4 (MANE Select); coding-DNA position 1064, G replaced by T.
Protein change: p.Arg355Leu; replaces arginine 355 with leucine.
Molecular consequence: missense variant.
Genome position (GRCh38, 1-based): chr12:114,356,025, C>A on the plus strand (G>T on the coding strand, the complement: TBX5 is on the minus strand). VCF-style: chr12-114356025-C-A. GRCh37 (hg19) VCF-style: chr12-114793830-C-A.
Other names: c.1064G>T, p.Arg355Leu (NM_000192.3); c.914G>T, p.Arg305Leu (NM_080717.4); short protein forms R305L, R355L.
Identifiers: ClinVar variation 3966304 (VCV003966304.1).

ClinVar aggregate classification (germline): Uncertain significance (1 of 4 stars; one submission).

Conditions:
Cardiovascular phenotype. Identifiers: MedGen CN230736.

gnomAD v4.1: 16 of 1,614,062 alleles (0.00099%); highest among the groups gnomAD compares: East Asian, 0.0022%; no homozygotes.

Submission:

Ambry Genetics
Classification: Uncertain significance for Cardiovascular phenotype. Last evaluated: 2025-03-25. Review status: criteria provided, single submitter. Criteria: Ambry Variant Classification Scheme 2023. Collection method: clinical testing. Allele origin: germline.
Comment: The p.R355L variant (also known as c.1064G>T), located in coding exon 8 of the TBX5 gene, results from a G to T substitution at nucleotide position 1064. The arginine at codon 355 is replaced by leucine, an amino acid with dissimilar properties. This amino acid position is conserved. In addition, this alteration is predicted to be deleterious by in silico analysis. Based on the available evidence, the clinical significance of this variant remains unclear.